The following is an entry in ClinVar:

ClinVar aggregate classification (germline): Uncertain significance (1 of 4 stars; one submission).

Submission:

Labcorp Genetics (formerly Invitae), Labcorp
Classification: Uncertain significance. Last evaluated: 2024-05-21. Review status: criteria provided, single submitter. Criteria: Invitae Variant Classification Sherloc (09022015). Collection method: clinical testing. Allele origin: germline.
Comment: This sequence change creates a premature translational stop signal (p.Lys133Glyfs*33) in the HCCS gene. It is expected to result in an absent or disrupted protein product. However, the current clinical and genetic evidence is not sufficient to establish whether loss-of-function variants in HCCS cause disease. This variant is not present in population databases (gnomAD no frequency). This variant has not been reported in the literature in individuals affected with HCCS-related conditions. In summary, the available evidence is currently insufficient to determine the role of this variant in disease. Therefore, it has been classified as a Variant of Uncertain Significance.

NM_005333.5(HCCS):c.397_400del (p.Lys133fs)

Gene: HCCS (holocytochrome c synthase; plus strand). Cytogenetic location: Xp22.2.
Variant type: Microsatellite.
Coding change: c.397_400del on transcript NM_005333.5 (MANE Select); coding-DNA positions 397 to 400, 4 bases deleted (AAAG; older notation c.397_400delAAAG).
Protein change: p.Lys133fs; shifts the reading frame from lysine 133.
Molecular consequence: frameshift variant.
Genome position (GRCh38, 1-based): chrX:11,117,411-11,117,414, AAAG deleted; deleting any 4 consecutive bases within chrX:11,117,407-11,117,414 gives the same sequence; the c. name uses the placement nearest the transcript's 3' end. VCF-style (leftmost placement, unchanged base first): chrX-11117406-TAAAG-T. GRCh37 (hg19) VCF-style: chrX-11135526-TAAAG-T.
Other names: c.397_400del, p.Lys133fs (NM_001122608.3, NM_001171991.3); short protein forms K133fs.
Identifiers: ClinVar variation 3654022 (VCV003654022.2).